The following is an entry in ClinVar:

NM_003742.4(ABCB11):c.938G>T (p.Arg313Leu)

Gene: ABCB11 (ATP binding cassette subfamily B member 11; minus strand). Cytogenetic location: 2q31.1.
Variant type: single nucleotide variant.
Coding change: c.938G>T on transcript NM_003742.4 (MANE Select); coding-DNA position 938, G replaced by T.
Protein change: p.Arg313Leu; replaces arginine 313 with leucine.
Molecular consequence: missense variant.
Genome position (GRCh38, 1-based): chr2:168,986,255, C>A on the plus strand (G>T on the coding strand, the complement: ABCB11 is on the minus strand). VCF-style: chr2-168986255-C-A. GRCh37 (hg19) VCF-style: chr2-169842765-C-A.
Other names: short protein forms R313L.
Identifiers: ClinVar variation 4846151 (VCV004846151.1).

ClinVar aggregate classification (germline): Uncertain significance (1 of 4 stars; one submission).

Conditions:
Familial intrahepatic cholestasis. Identifiers: Orphanet 284385, MedGen CN296401, MONDO:0017290.

gnomAD v4.1: 1 of 1,612,968 alleles (0.000062%); highest among the groups gnomAD compares: Non-Finnish European, 0.000085%; no homozygotes.

Submission:

Genomenon, Inc
Classification: Uncertain significance for Familial intrahepatic cholestasis. Last evaluated: 2026-04-14. Review status: criteria provided, single submitter. Criteria: Genomenon Sequence Variant Interpretation Standards - Updated. Collection method: curation. Allele origin: germline. Affected: no.
Comment: ABCB11 p.Arg313Leu (c.938G>T) is a missense variant that changes the amino acid at residue 313 from Arginine to Leucine. This variant has been reported in the published literature (PMID:37208429). It is absent or not present at a significant frequency in gnomAD. In silico models predict that this variant is not damaging. In conclusion, we classify ABCB11 p.Arg313Leu (c.938G>T) as a variant of uncertain significance.

Literature cited by the submitters: PubMed 37208429.